The following is an entry in ClinVar:

NM_006642.5(SDCCAG8):c.963C>G (p.Ser321=)

Gene: SDCCAG8 (SHH signaling and ciliogenesis regulator SDCCAG8; plus strand). Cytogenetic location: 1q43.
Variant type: single nucleotide variant.
Coding change: c.963C>G on transcript NM_006642.5 (MANE Select); coding-DNA position 963, C replaced by G.
Protein change: p.Ser321=; no amino-acid change (serine 321 retained).
Molecular consequence: synonymous variant.
Genome position (GRCh38, 1-based): chr1:243,316,788, C>G. VCF-style: chr1-243316788-C-G. GRCh37 (hg19) VCF-style: chr1-243480090-C-G.
Other names: c.60C>G, p.Ser20= (NM_001350246.2, NM_001350247.2, NM_001350251.2); c.1059C>G, p.Ser353= (NM_001350248.2); c.669C>G, p.Ser223= (NM_001350249.2); c.963C>G (NM_006642.3).
Identifiers: ClinVar variation 2952517 (VCV002952517.4), dbSNP rs751551796, ClinGen allele CA424105434.

ClinVar aggregate classification (germline): Likely benign. Review status: criteria provided, single submitter (1 of 4 stars). 2 submissions from 2 submitters: Likely benign (1). 1 of the submissions does not count toward it. Last evaluated 2023-10-04.

Conditions:
SDCCAG8-related disorder. Also called: SDCCAG8-Related Disorders; SDCCAG8-related condition.
Bardet-Biedl syndrome 16 (BBS16). Identifiers: Orphanet 110, MedGen C3889474, MONDO:0014444, OMIM 615993.
Senior-Loken syndrome 7 (SLSN7). Identifiers: Orphanet 3156, MedGen C3150877, MONDO:0013326, OMIM 613615.

Submissions (2):

Labcorp Genetics (formerly Invitae), Labcorp
Classification: Likely benign for Bardet-Biedl syndrome 16; Senior-Loken syndrome 7. Last evaluated: 2023-10-04. Review status: criteria provided, single submitter. Criteria: Invitae Variant Classification Sherloc (09022015). Collection method: clinical testing. Allele origin: germline.

PreventionGenetics, part of Exact Sciences
Classification: Likely benign for SDCCAG8-related condition. Last evaluated: 2024-08-07. Review status: no assertion criteria provided. Collection method: clinical testing. Allele origin: germline. Not counted in ClinVar's aggregate classification.
Comment: This variant is classified as likely benign based on ACMG/AMP sequence variant interpretation guidelines (Richards et al. 2015 PMID: 25741868, with internal and published modifications).